The following is an entry in ClinVar:

NM_021020.5(LZTS1):c.1040A>G (p.Gln347Arg)

Gene: LZTS1 (leucine zipper tumor suppressor 1; minus strand). Cytogenetic location: 8p21.3.
Variant type: single nucleotide variant.
Coding change: c.1040A>G on transcript NM_021020.5 (MANE Select); coding-DNA position 1040, A replaced by G.
Protein change: p.Gln347Arg; replaces glutamine 347 with arginine.
Molecular consequence: missense variant.
Genome position (GRCh38, 1-based): chr8:20,252,891, T>C on the plus strand (A>G on the coding strand, the complement: LZTS1 is on the minus strand). VCF-style: chr8-20252891-T-C. GRCh37 (hg19) VCF-style: chr8-20110402-T-C.
Other names: c.1040A>G, p.Gln347Arg (NM_001362884.2); short protein forms Q347R.
Identifiers: ClinVar variation 4745223 (VCV004745223.1).

ClinVar aggregate classification (germline): Uncertain significance (1 of 4 stars; one submission).

Submission:

Labcorp Genetics (formerly Invitae), Labcorp
Classification: Uncertain significance. Last evaluated: 2025-07-23. Review status: criteria provided, single submitter. Criteria: Invitae Variant Classification Sherloc (09022015). Collection method: clinical testing. Allele origin: germline.
Comment: This sequence change replaces glutamine, which is neutral and polar, with arginine, which is basic and polar, at codon 347 of the LZTS1 protein (p.Gln347Arg). This variant is not present in population databases (gnomAD no frequency). This variant has not been reported in the literature in individuals affected with LZTS1-related conditions. Invitae Evidence Modeling of protein sequence and biophysical properties (such as structural, functional, and spatial information, amino acid conservation, physicochemical variation, residue mobility, and thermodynamic stability) indicates that this missense variant is not expected to disrupt LZTS1 protein function with a negative predictive value of 80%. In summary, the available evidence is currently insufficient to determine the role of this variant in disease. Therefore, it has been classified as a Variant of Uncertain Significance.